The following is an entry in ClinVar:

NM_018979.4(WNK1):c.3528G>A (p.Ser1176=)

Gene: WNK1 (WNK lysine deficient protein kinase 1; plus strand). Cytogenetic location: 12p13.33.
Variant type: single nucleotide variant.
Coding change: c.3528G>A on transcript NM_018979.4 (MANE Select); coding-DNA position 3528, G replaced by A.
Protein change: p.Ser1176=; no amino-acid change (serine 1176 retained).
Molecular consequence: synonymous variant.
Genome position (GRCh38, 1-based): chr12:883,433, G>A. VCF-style: chr12-883433-G-A. GRCh37 (hg19) VCF-style: chr12-992599-G-A.
Other names: c.4308G>A, p.Ser1436= (NM_001184985.2); c.2787G>A, p.Ser929= (NM_014823.3); c.4284G>A, p.Ser1428= (NM_213655.5).
Identifiers: ClinVar variation 790221 (VCV000790221.11), dbSNP rs150741196, ClinGen allele CA6382798.

ClinVar aggregate classification (germline): Likely benign. Review status: criteria provided, multiple submitters, no conflicts (2 of 4 stars). 2 submissions from 2 submitters: Likely benign (2). Last evaluated 2025-03-13.

Conditions:
WNK1-related disorder. Also called: WNK1-related condition.
Pseudohypoaldosteronism type 2C (PHA2C). Also called: Pseudohypoaldosteronism Type IIC. Identifiers: Orphanet 757, Orphanet 88940, MedGen C1840391, MONDO:0013778, OMIM 614492.
Neuropathy, hereditary sensory and autonomic, type 2A (HSAN2A). Also called: ACROOSTEOLYSIS, GIACCAI TYPE; ACROOSTEOLYSIS, NEUROGENIC; WNK1-Related HSAN2 (HSAN2A); HSAN IIA; MORVAN DISEASE; NEUROPATHY, CONGENITAL SENSORY. Identifiers: Orphanet 970, MedGen C2752089, MONDO:0024309, OMIM 201300.

Allele frequency attached by ClinVar (database versions not stated): ExAC 0.00001; gnomAD 0.00001; gnomAD exomes 0.00001 and 0.00002; TOPMed 0.00003; ESP Exome Variant Server 0.00008.
gnomAD v4.1: 12 of 1,614,018 alleles (0.00074%); highest among the groups gnomAD compares: Middle Eastern, 0.033%; no homozygotes.

Submissions (2):

PreventionGenetics, part of Exact Sciences
Classification: Likely benign for WNK1-related condition. Last evaluated: 2025-03-13. Review status: criteria provided, single submitter. Criteria: ACMG Guidelines, 2015. Collection method: clinical testing. Allele origin: germline.
Comment: This variant is classified as likely benign based on ACMG/AMP sequence variant interpretation guidelines (Richards et al. 2015 PMID: 25741868, with internal and published modifications).

Labcorp Genetics (formerly Invitae), Labcorp
Classification: Likely benign for Neuropathy, hereditary sensory and autonomic, type 2A; Pseudohypoaldosteronism type 2C. Last evaluated: 2025-02-24. Review status: criteria provided, single submitter. Criteria: Invitae Variant Classification Sherloc (09022015). Collection method: clinical testing. Allele origin: germline.